The following is an entry in ClinVar:

ClinVar aggregate classification (germline): Uncertain significance (1 of 4 stars; one submission).

Conditions:
MHC class II deficiency. Also called: Bare lymphocyte syndrome 2; BLS, TYPE II. Identifiers: Orphanet 572, MedGen C5447452, MONDO:0008855.

Submission:

Labcorp Genetics (formerly Invitae), Labcorp
Classification: Uncertain significance for MHC class II deficiency. Last evaluated: 2021-01-22. Review status: criteria provided, single submitter. Criteria: Invitae Variant Classification Sherloc (09022015). Collection method: clinical testing. Allele origin: germline.
Comment: This variant is not present in population databases (ExAC no frequency). In summary, the available evidence is currently insufficient to determine the role of this variant in disease. Therefore, it has been classified as a Variant of Uncertain Significance. Algorithms developed to predict the effect of missense changes on protein structure and function (SIFT, PolyPhen-2, Align-GVGD) all suggest that this variant is likely to be disruptive, but these predictions have not been confirmed by published functional studies and their clinical significance is uncertain. This variant has not been reported in the literature in individuals with RFXAP-related conditions. This sequence change replaces leucine with valine at codon 248 of the RFXAP protein (p.Leu248Val). The leucine residue is highly conserved and there is a small physicochemical difference between leucine and valine.

NM_000538.4(RFXAP):c.742T>G (p.Leu248Val)

Gene: RFXAP (regulatory factor X associated protein; plus strand). Cytogenetic location: 13q13.3.
Variant type: single nucleotide variant.
Coding change: c.742T>G on transcript NM_000538.4 (MANE Select); coding-DNA position 742, T replaced by G.
Protein change: p.Leu248Val; replaces leucine 248 with valine.
Molecular consequence: missense variant.
Genome position (GRCh38, 1-based): chr13:36,827,676, T>G. VCF-style: chr13-36827676-T-G. GRCh37 (hg19) VCF-style: chr13-37401813-T-G.
Other names: short protein forms L248V.
Identifiers: ClinVar variation 1513459 (VCV001513459.8), dbSNP rs2138218991, ClinGen allele CA387858310.
Genomic context (GRCh38, chr13:36,827,676, plus strand): 5'-TAATAATTTTTTTCTTTTCTTTCTAAGTCGTTACTAAGAAGTCCAGAAGTAGTGCAATTT[T>G]TACAGAAACAGCAACAGCTATTAAATCAGCAAGTTTTGGAGCAAAGACAACAGCAGTTTC-3'
Protein context (NP_000529.1, residues 238-258): LLRSPEVVQF[Leu248Val]QKQQQLLNQQ